The following is an entry in ClinVar:

ClinVar aggregate classification (germline): Uncertain significance (1 of 4 stars; one submission).

Conditions:
Autosomal dominant nonsyndromic hearing loss 1. Also called: KONIGSMARK SYNDROME; DEAFNESS, AUTOSOMAL DOMINANT 1, WITH OR WITHOUT THROMBOCYTOPENIA. Identifiers: Orphanet 90635, MedGen C1852282, MONDO:0007424, OMIM 124900.
Progressive microcephaly-seizures-cortical blindness-developmental delay syndrome. Also called: Seizures, cortical blindness, and microcephaly syndrome. Identifiers: Orphanet 477814, MedGen C5567650, MONDO:0014714, OMIM 616632.

Allele frequency attached by ClinVar (database versions not stated): gnomAD exomes below 0.00001; gnomAD 0.00002; TOPMed 0.00003.
gnomAD v4.1: 5 of 1,606,820 alleles (0.00031%); highest among the groups gnomAD compares: African/African-American, 0.0067%; no homozygotes.

Submission:

Labcorp Genetics (formerly Invitae), Labcorp
Classification: Uncertain significance for Progressive microcephaly-seizures-cortical blindness-developmental delay syndrome; Autosomal dominant nonsyndromic hearing loss 1. Last evaluated: 2024-12-09. Review status: criteria provided, single submitter. Criteria: Invitae Variant Classification Sherloc (09022015). Collection method: clinical testing. Allele origin: germline.
Comment: This sequence change falls in intron 9 of the DIAPH1 gene. It does not directly change the encoded amino acid sequence of the DIAPH1 protein. It affects a nucleotide within the consensus splice site. This variant is present in population databases (no rsID available, gnomAD 0.007%). This variant has not been reported in the literature in individuals affected with DIAPH1-related conditions. ClinVar contains an entry for this variant (Variation ID: 1416632). Variants that disrupt the consensus splice site are a relatively common cause of aberrant splicing (PMID: 17576681, 9536098). Algorithms developed to predict the effect of sequence changes on RNA splicing suggest that this variant may disrupt the consensus splice site. In summary, the available evidence is currently insufficient to determine the role of this variant in disease. Therefore, it has been classified as a Variant of Uncertain Significance.

Literature cited by the submitters: PubMed 17576681; PubMed 9536098.

NM_005219.5(DIAPH1):c.933+6T>C

Gene: DIAPH1 (diaphanous related formin 1; minus strand). Cytogenetic location: 5q31.3.
Variant type: single nucleotide variant.
Coding change: c.933+6T>C on transcript NM_005219.5 (MANE Select); 6 bases into the intron after coding-DNA position 933, T replaced by C.
Molecular consequence: intron variant.
Genome position (GRCh38, 1-based): chr5:141,579,082, A>G on the plus strand (T>C on the coding strand, the complement: DIAPH1 is on the minus strand). VCF-style: chr5-141579082-A-G. GRCh37 (hg19) VCF-style: chr5-140958649-A-G.
Other names: c.906+6T>C (NM_001079812.3); c.933+6T>C (NM_001314007.2).
Identifiers: ClinVar variation 1416632 (VCV001416632.6), dbSNP rs948017991, ClinGen allele CA128440114.
Genomic context (GRCh38, chr5:141,579,082, plus strand): 5'-CAAATGAATTTAAGTCTGTCCATCTTGAATTCTATTCTTGGGCCCAGTTTCAGGGGATAT[A>G]CATGCCTTCAGTGCAATAGTGGTTCCACTTTTTAATCCATCCAGCAGCGGCTGGAAACGT-3'